The following is an entry in ClinVar:

NM_145045.5(ODAD3):c.1060C>T (p.Gln354Ter)

Gene: ODAD3 (outer dynein arm docking complex subunit 3; minus strand). Cytogenetic location: 19p13.2.
Variant type: single nucleotide variant.
Coding change: c.1060C>T on transcript NM_145045.5 (MANE Select); coding-DNA position 1060, C replaced by T.
Protein change: p.Gln354Ter; replaces glutamine 354 with a stop codon.
Molecular consequence: nonsense.
Genome position (GRCh38, 1-based): chr19:11,423,933, G>A on the plus strand (C>T on the coding strand, the complement: ODAD3 is on the minus strand). VCF-style: chr19-11423933-G-A. GRCh37 (hg19) VCF-style: chr19-11534602-G-A.
Other names: c.898C>T, p.Gln300Ter (NM_001302453.1); c.880C>T, p.Gln294Ter (NM_001302454.2); short protein forms Q354*, Q300*, Q294*.
Identifiers: ClinVar variation 521708 (VCV000521708.7), dbSNP rs1555721837, ClinGen allele CA404121616.

ClinVar aggregate classification (germline): Pathogenic. Review status: criteria provided, multiple submitters, no conflicts (2 of 4 stars). 2 submissions from 2 submitters: Pathogenic (2). Last evaluated 2023-10-09.

Conditions:
Primary ciliary dyskinesia 30. Also called: CILIARY DYSKINESIA, PRIMARY, 30, WITH OR WITHOUT SITUS INVERSUS. Identifiers: Orphanet 244, MedGen C4015016, MONDO:0014465, OMIM 616037.
Inborn genetic diseases. Identifiers: MedGen C0950123, MeSH D030342.

gnomAD v4.1: 2 of 1,613,430 alleles (0.00012%); no homozygotes.

Submissions (2):

Labcorp Genetics (formerly Invitae), Labcorp
Classification: Pathogenic for Primary ciliary dyskinesia 30. Last evaluated: 2023-10-09. Review status: criteria provided, single submitter. Criteria: Invitae Variant Classification Sherloc (09022015). Collection method: clinical testing. Allele origin: germline.
Comment: This sequence change creates a premature translational stop signal (p.Gln354*) in the CCDC151 gene. It is expected to result in an absent or disrupted protein product. Loss-of-function variants in CCDC151 are known to be pathogenic (PMID: 25192045). This variant is not present in population databases (gnomAD no frequency). This variant has not been reported in the literature in individuals affected with CCDC151-related conditions. ClinVar contains an entry for this variant (Variation ID: 521708). For these reasons, this variant has been classified as Pathogenic.

Ambry Genetics
Classification: Pathogenic for Inborn genetic diseases. Last evaluated: 2017-04-12. Review status: criteria provided, single submitter. Criteria: Ambry exome assertion method (8-5-2015). Collection method: clinical testing. Allele origin: germline. Affected: yes. Observed: 1 variant allele.

Literature cited by the submitters: PubMed 25192045 (cited by Labcorp Genetics (formerly Invitae), Labcorp).